The following is an entry in ClinVar:

NM_001083961.2(WDR62):c.2312A>G (p.Lys771Arg)

Gene: WDR62 (WD repeat domain 62; plus strand). Cytogenetic location: 19q13.12.
Variant type: single nucleotide variant.
Coding change: c.2312A>G on transcript NM_001083961.2 (MANE Select); coding-DNA position 2312, A replaced by G.
Protein change: p.Lys771Arg; replaces lysine 771 with arginine.
Molecular consequence: missense variant.
Genome position (GRCh38, 1-based): chr19:36,092,790, A>G. VCF-style: chr19-36092790-A-G. GRCh37 (hg19) VCF-style: chr19-36583692-A-G.
Other names: p.Lys771Arg; c.2312A>G, p.Lys771Arg (NM_173636.5); short protein forms K771R.
Identifiers: ClinVar variation 160264 (VCV000160264.21), dbSNP rs61747277, ClinGen allele CA173913.

ClinVar aggregate classification (germline): Benign. Review status: criteria provided, multiple submitters, no conflicts (2 of 4 stars). 8 submissions from 8 submitters: Benign (7). 1 of the submissions does not count toward it. Last evaluated 2026-01-10.

Conditions:
WDR62-related disorder. Also called: WDR62-related condition.
Microcephaly 2, primary, autosomal recessive, with or without cortical malformations. Also called: MICROCEPHALY 2, PRIMARY, AUTOSOMAL RECESSIVE, WITH CORTICAL MALFORMATIONS; WDR62 Primary Microcephaly. Identifiers: Orphanet 2512, MedGen C1858535, MONDO:0011435, OMIM 604317.

Allele frequency attached by ClinVar (database versions not stated): gnomAD exomes 0.00212 and 0.00535; ExAC 0.00660; 1000 Genomes Project 0.01837; gnomAD 0.01859 and 0.01994; 1000 Genomes Project 30x 0.02014; ESP Exome Variant Server 0.02107; TOPMed 0.02150.
gnomAD v4.1: 6,057 of 1,614,062 alleles (0.38%); highest among the groups gnomAD compares: African/African-American, 6.3%; 157 homozygotes.

Submissions (8):

Labcorp Genetics (formerly Invitae), Labcorp
Classification: Benign. Last evaluated: 2026-01-10. Review status: criteria provided, single submitter. Criteria: Invitae Variant Classification Sherloc (09022015). Collection method: clinical testing. Allele origin: germline.

Genome-Nilou Lab
Classification: Benign for Microcephaly 2, primary, autosomal recessive, with or without cortical malformations. Last evaluated: 2021-12-05. Review status: criteria provided, single submitter. Criteria: ACMG Guidelines, 2015. Collection method: clinical testing. Allele origin: germline. Affected: no.

Athena Diagnostics
Classification: Benign. Last evaluated: 2018-06-12. Review status: criteria provided, single submitter. Criteria: Athena Diagnostics Criteria. Collection method: clinical testing. Allele origin: germline.

Mayo Clinic Laboratories, Mayo Clinic
Classification: Benign. Last evaluated: 2018-04-10. Review status: criteria provided, single submitter. Criteria: ACMG Guidelines, 2015. Collection method: clinical testing. Allele origin: germline. Observed: 8 variant alleles.

GeneDx
Classification: Benign. Last evaluated: 2016-04-12. Review status: criteria provided, single submitter. Criteria: GeneDx Variant Classification (06012015). Collection method: clinical testing. Allele origin: germline. Affected: yes.
Comment: This variant is considered likely benign or benign based on one or more of the following criteria: it is a conservative change, it occurs at a poorly conserved position in the protein, it is predicted to be benign by multiple in silico algorithms, and/or has population frequency not consistent with disease.

Genetic Services Laboratory, University of Chicago
Classification: Benign. Last evaluated: 2013-02-08. Review status: criteria provided, single submitter. Criteria: ACMG Guidelines, 2007. Collection method: clinical testing. Allele origin: germline. Inheritance: Autosomal recessive inheritance.

Breakthrough Genomics
Classification: Benign. Review status: criteria provided, single submitter. Criteria: ACMG Guidelines, 2015. Collection method: not provided. Allele origin: germline. Inheritance: Autosomal recessive inheritance. Affected: yes.

PreventionGenetics, part of Exact Sciences
Classification: Benign for WDR62-related condition. Last evaluated: 2019-07-18. Review status: no assertion criteria provided. Collection method: clinical testing. Allele origin: germline. Not counted in ClinVar's aggregate classification.
Comment: This variant is classified as benign based on ACMG/AMP sequence variant interpretation guidelines (Richards et al. 2015 PMID: 25741868, with internal and published modifications).